The following is an entry in ClinVar:

ClinVar aggregate classification (germline): Uncertain significance (1 of 4 stars; one submission).

Submission:

GeneDx
Classification: Uncertain significance. Last evaluated: 2023-04-28. Review status: criteria provided, single submitter. Criteria: GeneDx Variant Classification Process June 2021. Collection method: clinical testing. Allele origin: germline.
Comment: Not observed at significant frequency in large population cohorts (gnomAD); In silico analysis supports that this missense variant does not alter protein structure/function; Has not been previously published as pathogenic or benign to our knowledge; Variants in candidate genes are classified as variants of uncertain significance in accordance with ACMG guidelines (Richards et al., 2015)

NM_014709.4(USP34):c.1964T>C (p.Leu655Pro)

Gene: USP34 (ubiquitin specific peptidase 34; minus strand). Cytogenetic location: 2p15.
Variant type: single nucleotide variant.
Coding change: c.1964T>C on transcript NM_014709.4 (MANE Select); coding-DNA position 1964, T replaced by C.
Protein change: p.Leu655Pro; replaces leucine 655 with proline.
Molecular consequence: missense variant.
Genome position (GRCh38, 1-based): chr2:61,348,191, A>G on the plus strand (T>C on the coding strand, the complement: USP34 is on the minus strand). VCF-style: chr2-61348191-A-G. GRCh37 (hg19) VCF-style: chr2-61575326-A-G.
Other names: short protein forms L655P.
Identifiers: ClinVar variation 4891358 (VCV004891358.1).
Genomic context (GRCh38, chr2:61,348,191, plus strand): 5'-AGGTCCTTTCCTGTTCCGCTGCTTGTCCCATTTCTTTCTGACATGCCTTGGGAGTCCCCC[A>G]GGCAAATGCCTGCTTGACTCTCTAACTTTCTATTCCGAAGATCTGTACCACAACTGCTTT-3'
Protein context (NP_055524.3, residues 645-665): RKLESQAGIC[Leu655Pro]GDSQGMSERN